The following is an entry in ClinVar:

ClinVar aggregate classification (germline): Uncertain significance (1 of 4 stars; one submission).

Conditions:
Left ventricular noncompaction 8 (LVNC8). Identifiers: Orphanet 154, Orphanet 54260, MedGen C3809288, MONDO:0014152, OMIM 615373.

Allele frequency attached by ClinVar (database versions not stated): gnomAD 0.00001; TOPMed 0.00002.
gnomAD v4.1: 3 of 1,580,586 alleles (0.00019%); highest among the groups gnomAD compares: African/African-American, 0.0013%; no homozygotes.

Submission:

Labcorp Genetics (formerly Invitae), Labcorp
Classification: Uncertain significance for Left ventricular noncompaction 8. Last evaluated: 2025-12-22. Review status: criteria provided, single submitter. Criteria: Invitae Variant Classification Sherloc (09022015). Collection method: clinical testing. Allele origin: germline.
Comment: This sequence change replaces alanine, which is neutral and non-polar, with proline, which is neutral and non-polar, at codon 658 of the PRDM16 protein (p.Ala658Pro). This variant is not present in population databases (gnomAD no frequency). This variant has not been reported in the literature in individuals affected with PRDM16-related conditions. ClinVar contains an entry for this variant (Variation ID: 406241). An algorithm developed to predict the effect of missense changes on protein structure and function (PolyPhen-2) suggests that this variant is likely to be tolerated. In summary, the available evidence is currently insufficient to determine the role of this variant in disease. Therefore, it has been classified as a Variant of Uncertain Significance.

NM_022114.4(PRDM16):c.1972G>C (p.Ala658Pro)

Gene: PRDM16 (PR/SET domain 16; plus strand). Cytogenetic location: 1p36.32.
Variant type: single nucleotide variant.
Coding change: c.1972G>C on transcript NM_022114.4 (MANE Select); coding-DNA position 1972, G replaced by C.
Protein change: p.Ala658Pro; replaces alanine 658 with proline.
Molecular consequence: missense variant.
Genome position (GRCh38, 1-based): chr1:3,412,169, G>C. VCF-style: chr1-3412169-G-C. GRCh37 (hg19) VCF-style: chr1-3328733-G-C.
Other names: c.1972G>C, p.Ala658Pro (NM_199454.3); short protein forms A658P.
Identifiers: ClinVar variation 406241 (VCV000406241.8), dbSNP rs760438677, ClinGen allele CA16610085.